The following is an entry in ClinVar:

NM_000135.4(FANCA):c.2875A>T (p.Ile959Phe)

Gene: FANCA (FA complementation group A; minus strand). Cytogenetic location: 16q24.3.
Variant type: single nucleotide variant.
Coding change: c.2875A>T on transcript NM_000135.4 (MANE Select); coding-DNA position 2875, A replaced by T.
Protein change: p.Ile959Phe; replaces isoleucine 959 with phenylalanine.
Molecular consequence: missense variant.
Genome position (GRCh38, 1-based): chr16:89,758,683, T>A on the plus strand (A>T on the coding strand, the complement: FANCA is on the minus strand). VCF-style: chr16-89758683-T-A. GRCh37 (hg19) VCF-style: chr16-89825091-T-A.
Other names: c.2875A>T, p.Ile959Phe (NM_001286167.3); short protein forms I959F.
Identifiers: ClinVar variation 4022343 (VCV004022343.1).

ClinVar aggregate classification (germline): Uncertain significance (1 of 4 stars; one submission).

Conditions:
Inborn genetic diseases. Identifiers: MedGen C0950123, MeSH D030342.

gnomAD v4.1: 2 of 1,613,918 alleles (0.00012%); highest among the groups gnomAD compares: Non-Finnish European, 0.000085%; no homozygotes.

Submission:

Ambry Genetics
Classification: Uncertain significance for Inborn genetic diseases. Last evaluated: 2025-06-01. Review status: criteria provided, single submitter. Criteria: Ambry Variant Classification Scheme 2023. Collection method: clinical testing. Allele origin: germline.
Comment: The p.I959F variant (also known as c.2875A>T), located in coding exon 30 of the FANCA gene, results from an A to T substitution at nucleotide position 2875. The isoleucine at codon 959 is replaced by phenylalanine, an amino acid with highly similar properties. This amino acid position is conserved. In addition, the in silico prediction for this alteration is inconclusive. Based on the available evidence, the clinical significance of this variant remains unclear.